The following is an entry in ClinVar:

ClinVar aggregate classification (germline): Likely benign (1 of 4 stars; one submission).

Conditions:
Aneurysm-osteoarthritis syndrome. Also called: LOEYS-DIETZ SYNDROME WITH OSTEOARTHRITIS; SMAD3-Related Loeys-Dietz Syndrome; ANEURYSMS-OSTEOARTHRITIS SYNDROME; Loeys-Dietz syndrome, type 1C. Identifiers: Orphanet 284984, MedGen C3151087, MONDO:0013426, OMIM 613795.

gnomAD v4.1: 1 of 1,614,156 alleles (0.000062%); highest among the groups gnomAD compares: Non-Finnish European, 0.000085%; no homozygotes.

Submission:

All of Us Research Program, National Institutes of Health
Classification: Likely benign for Aneurysm-osteoarthritis syndrome. Last evaluated: 2024-04-25. Review status: criteria provided, single submitter. Criteria: ACMG Guidelines, 2015. Collection method: clinical testing. Allele origin: germline. Inheritance: Autosomal dominant inheritance. Observed: 1 variant allele, 1 heterozygote.
Comment: This study involves interpretation of variants in research participants for the purpose of population health screening. Participant phenotype was not available at the time of variant classification. Additional details can be found in publication PMID: 35346344, PMCID: PMC8962531

NM_005902.4(SMAD3):c.1068C>G (p.Val356=)

Gene: SMAD3 (SMAD family member 3; plus strand). Cytogenetic location: 15q22.33.
Variant type: single nucleotide variant.
Coding change: c.1068C>G on transcript NM_005902.4 (MANE Select); coding-DNA position 1068, C replaced by G.
Protein change: p.Val356=; no amino-acid change (valine 356 retained).
Molecular consequence: synonymous variant.
Genome position (GRCh38, 1-based): chr15:67,187,423, C>G. VCF-style: chr15-67187423-C-G. GRCh37 (hg19) VCF-style: chr15-67479761-C-G.
Other names: c.753C>G, p.Val251= (NM_001145102.2, NM_001407016.1); c.936C>G, p.Val312= (NM_001145103.2, NM_001407012.1); c.483C>G, p.Val161= (NM_001145104.2, NM_001407017.1); c.1179C>G, p.Val393= (NM_001407011.1); c.930C>G, p.Val310= (NM_001407013.1); c.921C>G, p.Val307= (NM_001407014.1); c.621C>G, p.Val207= (NM_001407015.1).
Identifiers: ClinVar variation 3386018 (VCV003386018.1).